The following is an entry in ClinVar:

ClinVar aggregate classification (germline): Likely benign. Review status: criteria provided, single submitter (1 of 4 stars). 2 submissions from 2 submitters: Likely benign (1). 1 of the submissions does not count toward it. Last evaluated 2024-06-11.

Conditions:
MYOM1-related disorder.
Hypertrophic cardiomyopathy. Also called: HYPERTROPHIC MYOCARDIOPATHY. Identifiers: Orphanet 217569, MedGen C0007194, MeSH D002312, MONDO:0005045, HP:0001639.

Allele frequency attached by ClinVar (database versions not stated): gnomAD 0.00001; gnomAD exomes 0.00001 and 0.00007; TOPMed 0.00003; ExAC 0.00005.
gnomAD v4.1: 20 of 1,613,792 alleles (0.0012%); highest among the groups gnomAD compares: Admixed American, 0.027%; no homozygotes.

Submissions (2):

Labcorp Genetics (formerly Invitae), Labcorp
Classification: Likely benign for Hypertrophic cardiomyopathy. Last evaluated: 2024-06-11. Review status: criteria provided, single submitter. Criteria: Invitae Variant Classification Sherloc (09022015). Collection method: clinical testing. Allele origin: germline.

PreventionGenetics, part of Exact Sciences
Classification: Likely benign for MYOM1-related condition. Last evaluated: 2020-06-15. Review status: no assertion criteria provided. Collection method: clinical testing. Allele origin: germline. Not counted in ClinVar's aggregate classification.
Comment: This variant is classified as likely benign based on ACMG/AMP sequence variant interpretation guidelines (Richards et al. 2015 PMID: 25741868, with internal and published modifications).

NM_003803.4(MYOM1):c.3813C>T (p.Gly1271=)

Gene: MYOM1 (myomesin 1; minus strand). Cytogenetic location: 18p11.31.
Variant type: single nucleotide variant.
Coding change: c.3813C>T on transcript NM_003803.4 (MANE Select); coding-DNA position 3813, C replaced by T.
Protein change: p.Gly1271=; no amino-acid change (glycine 1271 retained).
Molecular consequence: synonymous variant.
Genome position (GRCh38, 1-based): chr18:3,094,221, G>A on the plus strand (C>T on the coding strand, the complement: MYOM1 is on the minus strand). VCF-style: chr18-3094221-G-A. GRCh37 (hg19) VCF-style: chr18-3094219-G-A.
Other names: c.3525C>T, p.Gly1175= (NM_019856.2).
Identifiers: ClinVar variation 525041 (VCV000525041.9), dbSNP rs771659817, ClinGen allele CA8874161.